The following is an entry in ClinVar:

NM_001037333.3(CYFIP2):c.2317G>A (p.Ala773Thr)

Gene: CYFIP2 (cytoplasmic FMR1 interacting protein 2; plus strand). Cytogenetic location: 5q33.3.
Variant type: single nucleotide variant.
Coding change: c.2317G>A on transcript NM_001037333.3 (MANE Select); coding-DNA position 2317, G replaced by A.
Protein change: p.Ala773Thr; replaces alanine 773 with threonine.
Molecular consequence: missense variant.
Genome position (GRCh38, 1-based): chr5:157,333,378, G>A. VCF-style: chr5-157333378-G-A. GRCh37 (hg19) VCF-style: chr5-156760386-G-A.
Other names: c.2239G>A, p.Ala747Thr (NM_001291721.2); c.2392G>A, p.Ala798Thr (NM_001291722.2); c.2317G>A, p.Ala773Thr (NM_014376.4); c.2317G>A (NM_001037333.2); short protein forms A747T, A773T, A798T.
Identifiers: ClinVar variation 3647360 (VCV003647360.4).

ClinVar aggregate classification (germline): Uncertain significance. Review status: criteria provided, multiple submitters, no conflicts (2 of 4 stars). 3 submissions from 3 submitters: Uncertain significance (3). Last evaluated 2025-03-22.

Submissions (3):

GeneDx
Classification: Uncertain significance. Last evaluated: 2025-03-22. Review status: criteria provided, single submitter. Criteria: GeneDx Variant Classification Process June 2021. Collection method: clinical testing. Allele origin: germline. Affected: yes.
Comment: Not observed at significant frequency in large population cohorts (gnomAD); In silico analysis indicates that this missense variant does not alter protein structure/function; Has not been previously published as pathogenic or benign to our knowledge

Labcorp Genetics (formerly Invitae), Labcorp
Classification: Uncertain significance. Last evaluated: 2024-03-23. Review status: criteria provided, single submitter. Criteria: Invitae Variant Classification Sherloc (09022015). Collection method: clinical testing. Allele origin: germline.
Comment: This sequence change replaces alanine, which is neutral and non-polar, with threonine, which is neutral and polar, at codon 773 of the CYFIP2 protein (p.Ala773Thr). This variant is not present in population databases (gnomAD no frequency). This variant has not been reported in the literature in individuals affected with CYFIP2-related conditions. Experimental studies and prediction algorithms are not available or were not evaluated, and the functional significance of this variant is currently unknown. In summary, the available evidence is currently insufficient to determine the role of this variant in disease. Therefore, it has been classified as a Variant of Uncertain Significance.

Blueprint Genetics
Classification: Uncertain significance. Last evaluated: 2022-09-12. Review status: criteria provided, single submitter. Criteria: ACMG Guidelines, 2015. Collection method: clinical testing. Allele origin: germline.